The following is an entry in ClinVar:

ClinVar aggregate classification (germline): Benign. Review status: criteria provided, multiple submitters, no conflicts (2 of 4 stars). 14 submissions from 12 submitters: Benign (10). 4 of the submissions do not count toward it. Last evaluated 2026-02-04.

Conditions:
Fetal akinesia deformation sequence 1 (FADS1). Also called: Pena-Shokeir syndrome type I; Fetal akinesia sequence. Identifiers: Orphanet 994, MedGen C1276035, MONDO:0100101, OMIM 208150, HP:0001989.
Congenital myasthenic syndrome 11. Also called: MYASTHENIC SYNDROME, CONGENITAL, Ie; Myasthenic syndrome, congenital, 11, associated with acetylcholine receptor deficiency. Identifiers: Orphanet 590, MedGen C4225367, MONDO:0014588, OMIM 616326.
Fetal akinesia deformation sequence 2. Identifiers: MedGen C4760576, MONDO:0100102, OMIM 618388.
Congenital myasthenic syndrome (CMS). Also called: Congenital Myasthenic Syndromes. Identifiers: Orphanet 590, MedGen C0751882, MeSH D020294, MONDO:0018940.

Allele frequency attached by ClinVar (database versions not stated): 1000 Genomes Project 0.07648; 1000 Genomes Project 30x 0.07667; TOPMed 0.10730; gnomAD 0.11040 and 0.11254; ExAC 0.11362; ESP Exome Variant Server 0.12273.
gnomAD v4.1: 203,411 of 1,605,420 alleles (13%); highest among the groups gnomAD compares: Non-Finnish European, 14%; 13,838 homozygotes.

Submissions (14):

Labcorp Genetics (formerly Invitae), Labcorp
Classification: Benign for Congenital myasthenic syndrome 11; Fetal akinesia deformation sequence 1. Last evaluated: 2026-02-04. Review status: criteria provided, single submitter. Criteria: Invitae Variant Classification Sherloc (09022015). Collection method: clinical testing. Allele origin: germline.

Blueprint Genetics
Classification: Benign. Last evaluated: 2024-11-27. Review status: criteria provided, single submitter. Criteria: ACMG Guidelines, 2015. Collection method: clinical testing. Allele origin: germline.

Mayo Clinic Laboratories, Mayo Clinic
Classification: Benign. Last evaluated: 2022-03-24. Review status: criteria provided, single submitter. Criteria: ACMG Guidelines, 2015. Collection method: clinical testing. Allele origin: germline. Observed: 97 variant alleles.

Genome-Nilou Lab
Classification: Benign for Fetal akinesia deformation sequence 2. Last evaluated: 2021-07-10. Review status: criteria provided, single submitter. Criteria: ACMG Guidelines, 2015. Collection method: clinical testing. Allele origin: germline. Affected: no.

Genome-Nilou Lab
Classification: Benign for Congenital myasthenic syndrome 11. Last evaluated: 2021-07-10. Review status: criteria provided, single submitter. Criteria: ACMG Guidelines, 2015. Collection method: clinical testing. Allele origin: germline. Affected: no.

Illumina Laboratory Services, Illumina
Classification: Benign for Congenital myasthenic syndrome 11. Last evaluated: 2018-03-06. Review status: criteria provided, single submitter. Criteria: ICSL Variant Classification Criteria 13 December 2019. Collection method: clinical testing. Allele origin: germline.
Comment: This variant was observed in the ICSL laboratory as part of a predisposition screen in an ostensibly healthy population. It had not been previously curated by ICSL or reported in the Human Gene Mutation Database (HGMD: prior to June 1st, 2018), and was therefore a candidate for classification through an automated scoring system. Utilizing variant allele frequency, disease prevalence and penetrance estimates, and inheritance mode, an automated score was calculated to assess if this variant is too frequent to cause the disease. Based on the score and internal cut-off values, a variant classified as benign is not then subjected to further curation. The score for this variant resulted in a classification of benign for this disease.

Illumina Laboratory Services, Illumina
Classification: Benign for Fetal akinesia deformation sequence 1. Last evaluated: 2018-03-06. Review status: criteria provided, single submitter. Criteria: ICSL Variant Classification Criteria 13 December 2019. Collection method: clinical testing. Allele origin: germline.
Comment: the same text as in the submission from Illumina Laboratory Services, Illumina above.

GeneDx
Classification: Benign. Last evaluated: 2016-03-11. Review status: criteria provided, single submitter. Criteria: GeneDx Variant Classification (06012015). Collection method: clinical testing. Allele origin: germline. Affected: yes.
Comment: This variant is considered likely benign or benign based on one or more of the following criteria: it is a conservative change, it occurs at a poorly conserved position in the protein, it is predicted to be benign by multiple in silico algorithms, and/or has population frequency not consistent with disease.

Breakthrough Genomics
Classification: Benign. Review status: criteria provided, single submitter. Criteria: ACMG Guidelines, 2015. Collection method: not provided. Allele origin: germline. Inheritance: Autosomal recessive inheritance. Affected: yes.

PreventionGenetics, part of Exact Sciences
Classification: Benign. Review status: criteria provided, single submitter. Criteria: ACMG Guidelines, 2015. Collection method: clinical testing. Allele origin: germline.

Natera, Inc.
Classification: Benign for Congenital myasthenic syndrome. Last evaluated: 2020-09-16. Review status: no assertion criteria provided. Collection method: clinical testing. Allele origin: germline. Not counted in ClinVar's aggregate classification.

Diagnostic Laboratory, Department of Genetics, University Medical Center Groningen
Classification: Benign. Review status: no assertion criteria provided. Collection method: clinical testing. Allele origin: germline. Affected: yes. Study: VKGL Data-share Consensus. Not counted in ClinVar's aggregate classification.

Genome Diagnostics Laboratory, University Medical Center Utrecht
Classification: Benign. Review status: no assertion criteria provided. Collection method: clinical testing. Allele origin: germline. Affected: yes. Study: VKGL Data-share Consensus. Not counted in ClinVar's aggregate classification.

Joint Genome Diagnostic Labs from Nijmegen and Maastricht, Radboudumc and MUMC+
Classification: Benign. Review status: no assertion criteria provided. Collection method: clinical testing. Allele origin: germline. Affected: yes. Study: VKGL Data-share Consensus. Not counted in ClinVar's aggregate classification.

NM_005055.5(RAPSN):c.193-15C>T

Gene: RAPSN (receptor associated protein of the synapse; minus strand). Cytogenetic location: 11p11.2.
Variant type: single nucleotide variant.
Coding change: c.193-15C>T on transcript NM_005055.5 (MANE Select); 15 bases into the intron before coding-DNA position 193, C replaced by T.
Molecular consequence: intron variant.
Genome position (GRCh38, 1-based): chr11:47,448,165, G>A on the plus strand (C>T on the coding strand, the complement: RAPSN is on the minus strand). VCF-style: chr11-47448165-G-A. GRCh37 (hg19) VCF-style: chr11-47469717-G-A.
Other names: p.?; c.193-15C>T (NM_032645.5).
Identifiers: ClinVar variation 259627 (VCV000259627.26), dbSNP rs45547231, ClinGen allele CA5976794.